The following is an entry in ClinVar:

ClinVar aggregate classification (germline): Conflicting classifications of pathogenicity. Review status: criteria provided, conflicting classifications (1 of 4 stars). 4 submissions from 4 submitters: Likely pathogenic (1); Uncertain significance (2). 1 of the submissions does not count toward it. Last evaluated 2025-09-08.

Conditions:
Autosomal dominant nonsyndromic hearing loss 12. Also called: DEAFNESS, AUTOSOMAL DOMINANT 8. Identifiers: Orphanet 90635, MedGen C1832187, MONDO:0011102, OMIM 601543.
Hearing loss, autosomal recessive. Also called: Rare autosomal recessive non-syndromic sensorineural deafness type DFNB; Nonsyndromic Hearing Loss, Recessive; Deafness, autosomal recessive; Autosomal recessive nonsyndromic deafness. Identifiers: Orphanet 90635, Orphanet 90636, MedGen C1846647, MONDO:0019588, OMIM 607197.

Allele frequency attached by ClinVar (database versions not stated): gnomAD exomes below 0.00001; ExAC 0.00001.

Submissions (4):

Labcorp Genetics (formerly Invitae), Labcorp
Classification: Uncertain significance. Last evaluated: 2025-09-08. Review status: criteria provided, single submitter. Criteria: Invitae Variant Classification Sherloc (09022015). Collection method: clinical testing. Allele origin: germline.
Comment: This sequence change replaces threonine, which is neutral and polar, with methionine, which is neutral and non-polar, at codon 190 of the TECTA protein (p.Thr190Met). This variant is present in population databases (rs753493990, gnomAD 0.003%). This variant has not been reported in the literature in individuals affected with TECTA-related conditions. ClinVar contains an entry for this variant (Variation ID: 2574566). Invitae Evidence Modeling of protein sequence and biophysical properties (such as structural, functional, and spatial information, amino acid conservation, physicochemical variation, residue mobility, and thermodynamic stability) has been performed for this missense variant. However, the output from this modeling did not meet the statistical confidence thresholds required to predict the impact of this variant on TECTA protein function. In summary, the available evidence is currently insufficient to determine the role of this variant in disease. Therefore, it has been classified as a Variant of Uncertain Significance.

Laboratory of Prof. Karen Avraham, Tel Aviv University
Classification: Likely pathogenic for Autosomal dominant nonsyndromic hearing loss 12. Last evaluated: 2024-06-09. Review status: criteria provided, single submitter. Criteria: ACMG Guidelines, 2015. Collection method: research. Allele origin: germline. Affected: yes. Observed: 1 variant allele.
Comment: A very rare variant in a known deafness gene, predicted deleterious by most prediction programs. In addition, missense mutations in this exon are known to cause autosomal dominant high-tone HL

DFNA12; high-tone HL

Blueprint Genetics
Classification: Uncertain significance. Last evaluated: 2020-03-26. Review status: criteria provided, single submitter. Criteria: ACMG Guidelines, 2015. Collection method: clinical testing. Allele origin: germline.

Mustafa Tekin Lab, University Of Miami, Miller School Of Medicine
Classification: Likely pathogenic for Hearing loss, autosomal recessive. Last evaluated: 2023-05-25. Review status: no assertion criteria provided. Collection method: research. Allele origin: inherited. Inheritance: Autosomal recessive inheritance. Affected: yes. Not counted in ClinVar's aggregate classification.

NM_005422.4(TECTA):c.569C>T (p.Thr190Met)

Genes: TBCEL-TECTA (TBCEL-TECTA readthrough; plus strand), TECTA (tectorin alpha; plus strand). Cytogenetic location: 11q23.3.
Variant type: single nucleotide variant.
Coding change: c.569C>T on transcript NM_005422.4 (MANE Select); coding-DNA position 569, C replaced by T.
Protein change: p.Thr190Met; replaces threonine 190 with methionine.
Molecular consequence: missense variant.
Genome position (GRCh38, 1-based): chr11:121,113,154, C>T. VCF-style: chr11-121113154-C-T. GRCh37 (hg19) VCF-style: chr11-120983863-C-T.
Other names: c.1526C>T, p.Thr509Met (NM_001378761.1); short protein forms T190M, T509M.
Identifiers: ClinVar variation 2574566 (VCV002574566.6), dbSNP rs753493990, ClinGen allele CA6326529.